The following is an entry in ClinVar:

NM_001136472.2(LITAF):c.42C>T (p.Ser14=)

Gene: LITAF (lipopolysaccharide induced TNF factor; minus strand). Cytogenetic location: 16p13.13.
Variant type: single nucleotide variant.
Coding change: c.42C>T on transcript NM_001136472.2 (MANE Select); coding-DNA position 42, C replaced by T.
Protein change: p.Ser14=; no amino-acid change (serine 14 retained).
Molecular consequence: synonymous variant. On other transcripts: non-coding transcript variant (1).
Genome position (GRCh38, 1-based): chr16:11,556,689, G>A on the plus strand (C>T on the coding strand, the complement: LITAF is on the minus strand). VCF-style: chr16-11556689-G-A. GRCh37 (hg19) VCF-style: chr16-11650545-G-A.
Other names: p.Ser14=; c.42C>T, p.Ser14= (NM_001136473.1, NM_004862.4).
Identifiers: ClinVar variation 4684075 (VCV004684075.1).

ClinVar aggregate classification (germline): Likely benign (1 of 4 stars; one submission).

gnomAD v4.1: 2 of 1,614,064 alleles (0.00012%); highest among the groups gnomAD compares: Non-Finnish European, 0.00017%; no homozygotes.

Submission:

Mayo Clinic Laboratories, Mayo Clinic
Classification: Likely benign. Last evaluated: 2025-08-25. Review status: criteria provided, single submitter. Criteria: ACMG Guidelines, 2015. Collection method: clinical testing. Allele origin: germline. Observed: 1 variant allele.
Comment: BP4, BP7